The following is an entry in ClinVar:

NM_021076.4(NEFH):c.2101G>A (p.Glu701Lys)

Gene: NEFH (neurofilament heavy chain; plus strand). Cytogenetic location: 22q12.2.
Variant type: single nucleotide variant.
Coding change: c.2101G>A on transcript NM_021076.4 (MANE Select); coding-DNA position 2101, G replaced by A.
Protein change: p.Glu701Lys; replaces glutamic acid 701 with lysine.
Molecular consequence: missense variant.
Genome position (GRCh38, 1-based): chr22:29,489,741, G>A. VCF-style: chr22-29489741-G-A. GRCh37 (hg19) VCF-style: chr22-29885730-G-A.
Other names: short protein forms E701K.
Identifiers: ClinVar variation 3345309 (VCV003345309.9).
Genomic context (GRCh38, chr22:29,489,741, plus strand): 5'-AAGTCCCCAGTGAAGGCAGAAGCAAAGTCCCCTGAGAAGGCCAAGTCCCCAGTGAAGGAA[G>A]AAGCAAAGTCCCCTGAGAAGGCCAAGTCCCCAGTGAAGGAAGAAGCAAAGTCCCCTGAGA-3'
Protein context (NP_066554.2, residues 691-711): PEKAKSPVKE[Glu701Lys]AKSPEKAKSP

ClinVar aggregate classification (germline): Uncertain significance. Review status: criteria provided, single submitter (1 of 4 stars). 2 submissions from 2 submitters: Uncertain significance (1). 1 of the submissions does not count toward it. Last evaluated 2025-06-01.

Conditions:
NEFH-related disorder. Also called: NEFH-related condition.

gnomAD v4.1: 1 of 1,609,846 alleles (0.000062%); highest among the groups gnomAD compares: Non-Finnish European, 0.000085%; no homozygotes.

Submissions (2):

CeGaT Center for Human Genetics Tuebingen
Classification: Uncertain significance. Last evaluated: 2025-06-01. Review status: criteria provided, single submitter. Criteria: CeGaT Center For Human Genetics Tuebingen Variant Classification Criteria Version 2. Collection method: clinical testing. Allele origin: germline. Affected: yes. Observed: 1 variant allele.
Comment: NEFH: PP2

PreventionGenetics, part of Exact Sciences
Classification: Uncertain significance for NEFH-related condition. Last evaluated: 2024-07-29. Review status: no assertion criteria provided. Collection method: clinical testing. Allele origin: germline. Not counted in ClinVar's aggregate classification.
Comment: The NEFH c.2101G>A variant is predicted to result in the amino acid substitution p.Glu701Lys. To our knowledge, this variant has not been reported in the literature or in a large population database, indicating this variant is rare. At this time, the clinical significance of this variant is uncertain due to the absence of conclusive functional and genetic evidence.